The following is an entry in ClinVar:

NM_199420.4(POLQ):c.3149G>C (p.Arg1050Pro)

Gene: POLQ (DNA polymerase theta; minus strand). Cytogenetic location: 3q13.33.
Variant type: single nucleotide variant.
Coding change: c.3149G>C on transcript NM_199420.4 (MANE Select); coding-DNA position 3149, G replaced by C.
Protein change: p.Arg1050Pro; replaces arginine 1050 with proline.
Molecular consequence: missense variant.
Genome position (GRCh38, 1-based): chr3:121,489,782, C>G on the plus strand (G>C on the coding strand, the complement: POLQ is on the minus strand). VCF-style: chr3-121489782-C-G. GRCh37 (hg19) VCF-style: chr3-121208629-C-G.
Other names: short protein forms R1050P.
Identifiers: ClinVar variation 3422662 (VCV003422662.1).

ClinVar aggregate classification (germline): Uncertain significance (1 of 4 stars; one submission).

gnomAD v4.1: 1 of 1,612,734 alleles (0.000062%); highest among the groups gnomAD compares: Admixed American, 0.0017%; no homozygotes.

Submission:

Ambry Genetics
Classification: Uncertain significance. Last evaluated: 2024-11-11. Review status: criteria provided, single submitter. Criteria: Ambry Variant Classification Scheme 2023. Collection method: clinical testing. Allele origin: germline.
Comment: The p.R1050P variant (also known as c.3149G>C), located in coding exon 16 of the POLQ gene, results from a G to C substitution at nucleotide position 3149. The arginine at codon 1050 is replaced by proline, an amino acid with dissimilar properties. This amino acid position is conserved. In addition, this alteration is predicted to be tolerated by in silico analysis. Based on the available evidence, the clinical significance of this variant remains unclear.